The following is an entry in ClinVar:

ClinVar aggregate classification (germline): Pathogenic (1 of 4 stars; one submission).

Conditions:
Cardiac arrhythmia. Also called: Cardiac rhythm disease; Arrhythmia. Identifiers: MedGen C0003811, MONDO:0007263, HP:0011675.

Submission:

Women's Health and Genetics/Laboratory Corporation of America, LabCorp
Classification: Pathogenic for Cardiac arrhythmia. Last evaluated: 2025-07-07. Review status: criteria provided, single submitter. Criteria: LabCorp Variant Classification Summary - May 2015. Collection method: clinical testing. Allele origin: germline.
Comment: Variant summary: KCNH2 c.2677_2680delAGGC (p.Arg893AlafsX80) results in a premature termination codon, predicted to cause a truncation of the encoded protein or absence of the protein due to nonsense mediated decay, which are commonly known mechanisms for disease. The variant was absent in 244078 control chromosomes. To our knowledge, no occurrence of c.2677_2680delAGGC in individuals affected with Arrhythmia and no experimental evidence demonstrating its impact on protein function have been reported. No submitters have cited clinical-significance assessments for this variant to ClinVar. Based on the evidence outlined above, the variant was classified as pathogenic.

NM_000238.4(KCNH2):c.2677_2680del (p.Arg893fs)

Gene: KCNH2 (potassium voltage-gated channel subfamily H member 2; minus strand). Cytogenetic location: 7q36.1.
Variant type: Deletion.
Coding change: c.2677_2680del on transcript NM_000238.4 (MANE Select); coding-DNA positions 2677 to 2680, 4 bases deleted (AGGC; older notation c.2677_2680delAGGC).
Protein change: p.Arg893fs; shifts the reading frame from arginine 893.
Molecular consequence: frameshift variant. On other transcripts: non-coding transcript variant (2).
Genome position (GRCh38, 1-based): chr7:150,948,456-150,948,459, GCCT deleted on the plus strand (AGGC on the coding strand, the reverse complement: KCNH2 is on the minus strand); deleting any 4 consecutive bases within chr7:150,948,456-150,948,461 gives the same sequence; the c. name uses the placement nearest the transcript's 3' end. VCF-style (leftmost placement, unchanged base first): chr7-150948455-CGCCT-C. GRCh37 (hg19) VCF-style: chr7-150645543-CGCCT-C.
Other names: c.2389_2392del, p.Arg797fs (NM_001406753.1); c.1657_1660del, p.Arg553fs (NM_172057.3); c.2677_2680delAGGC (NM_000238.4); short protein forms R553fs, R797fs, R893fs.
Identifiers: ClinVar variation 3911914 (VCV003911914.2).
Genomic context (GRCh38, chr7:150,948,455, plus strand): 5'-AGCCTCACCTTGTCCCCGCCCTCCCCCTTCCTCCCCTCCCCCGCCTCACCCTTGTCCGTG[CGCCT>C]GCGGAAGGACAACTTGCGCTTGCGTTGCCGACTGAAGCCACCCTCTAACTCCGTACTGCC-3'